The following is an entry in ClinVar:

ClinVar aggregate classification (germline): Uncertain significance. Review status: criteria provided, multiple submitters, no conflicts (2 of 4 stars). 5 submissions from 5 submitters: Uncertain significance (5). Last evaluated 2025-06-29.

Conditions:
Catecholaminergic polymorphic ventricular tachycardia 1. Also called: VENTRICULAR TACHYCARDIA, CATECHOLAMINERGIC POLYMORPHIC, 1, WITH OR WITHOUT ATRIAL DYSFUNCTION AND/OR DILATED CARDIOMYOPATHY; RYR2-Related Catecholaminergic Polymorphic Ventricular Tachycardia; VENTRICULAR TACHYCARDIA, STRESS-INDUCED POLYMORPHIC 1. Identifiers: Orphanet 3286, MedGen C1631597, MONDO:0011484, OMIM 604772.
Cardiovascular phenotype. Identifiers: MedGen CN230736.
Catecholaminergic polymorphic ventricular tachycardia (CVPT). Also called: Catecholamine-induced polymorphic ventricular tachycardia. Identifiers: Orphanet 3286, MedGen C5574922, MONDO:0017990.
Cardiomyopathy (CMYO). Also called: Cardiomyopathies. Identifiers: Orphanet 167848, MedGen C0878544, MONDO:0004994, HP:0001638. Inheritance: Various modes of inheritance.

Allele frequency attached by ClinVar (database versions not stated): gnomAD exomes below 0.00001; TOPMed 0.00001.
gnomAD v4.1: 5 of 1,613,932 alleles (0.00031%); highest among the groups gnomAD compares: Non-Finnish European, 0.00034%; no homozygotes.

Submissions (5):

Labcorp Genetics (formerly Invitae), Labcorp
Classification: Uncertain significance for Catecholaminergic polymorphic ventricular tachycardia 1. Last evaluated: 2025-06-29. Review status: criteria provided, single submitter. Criteria: Invitae Variant Classification Sherloc (09022015). Collection method: clinical testing. Allele origin: germline.
Comment: This sequence change replaces arginine, which is basic and polar, with glutamine, which is neutral and polar, at codon 1086 of the RYR2 protein (p.Arg1086Gln). This variant is not present in population databases (gnomAD no frequency). This variant has not been reported in the literature in individuals affected with RYR2-related conditions. ClinVar contains an entry for this variant (Variation ID: 923065). Invitae Evidence Modeling of protein sequence and biophysical properties (such as structural, functional, and spatial information, amino acid conservation, physicochemical variation, residue mobility, and thermodynamic stability) indicates that this missense variant is expected to disrupt RYR2 protein function with a positive predictive value of 95%. In summary, the available evidence is currently insufficient to determine the role of this variant in disease. Therefore, it has been classified as a Variant of Uncertain Significance.

Color Diagnostics, LLC DBA Color Health
Classification: Uncertain significance for Cardiomyopathy. Last evaluated: 2024-03-07. Review status: criteria provided, single submitter. Criteria: ACMG Guidelines, 2015. Collection method: clinical testing. Allele origin: germline.
Comment: This missense variant replaces arginine with glutamine at codon 1086 of the RYR2 protein. Computational prediction suggests that this variant may have deleterious impact on protein structure and function (internally defined REVEL score threshold >= 0.7, PMID: 27666373). To our knowledge, functional studies have not been reported for this variant. This variant has not been reported in individuals affected with RYR2-related disorders in the literature. This variant has not been identified in the general population by the Genome Aggregation Database (gnomAD). The available evidence is insufficient to determine the role of this variant in disease conclusively. Therefore, this variant is classified as a Variant of Uncertain Significance.

All of Us Research Program, National Institutes of Health
Classification: Uncertain significance for Catecholaminergic polymorphic ventricular tachycardia. Last evaluated: 2023-06-26. Review status: criteria provided, single submitter. Criteria: ACMG Guidelines, 2015. Collection method: clinical testing. Allele origin: germline. Inheritance: Autosomal dominant inheritance. Observed: 2 variant alleles, 2 heterozygotes.
Comment: This missense variant replaces arginine with glutamine at codon 1086 of the RYR2 protein. Computational prediction suggests that this variant may have deleterious impact on protein structure and function (internally defined REVEL score threshold >= 0.7, PMID: 27666373). Splice site prediction tools suggest that this variant may not impact RNA splicing. To our knowledge, functional studies have not been performed for this variant. This variant has not been reported in individuals affected with cardiovascular disorders in the literature. This variant has not been identified in the general population by the Genome Aggregation Database (gnomAD). The available evidence is insufficient to determine the role of this variant in disease conclusively. Therefore, this variant is classified as a Variant of Uncertain Significance.

This study involves interpretation of variants in research participants for the purpose of population health screening. Participant phenotype was not available at the time of variant classification. Additional details can be found in publication PMID: 35346344, PMCID: PMC8962531

Ambry Genetics
Classification: Uncertain significance for Cardiovascular phenotype. Last evaluated: 2022-11-08. Review status: criteria provided, single submitter. Criteria: Ambry Variant Classification Scheme 2023. Collection method: clinical testing. Allele origin: germline.
Comment: The p.R1086Q variant (also known as c.3257G>A), located in coding exon 28 of the RYR2 gene, results from a G to A substitution at nucleotide position 3257. The arginine at codon 1086 is replaced by glutamine, an amino acid with highly similar properties. This amino acid position is highly conserved in available vertebrate species. In addition, this alteration is predicted to be deleterious by in silico analysis. Since supporting evidence is limited at this time, the clinical significance of this alteration remains unclear.

MVZ Martinsried, Medicover Genetics
Classification: Uncertain significance for Catecholaminergic polymorphic ventricular tachycardia 1. Last evaluated: 2020-08-07. Review status: criteria provided, single submitter. Criteria: ACGS Guidelines, 2020. Collection method: clinical testing. Allele origin: unknown. Affected: yes.

NM_001035.3(RYR2):c.3257G>A (p.Arg1086Gln)

Gene: RYR2 (ryanodine receptor 2; plus strand). Cytogenetic location: 1q43.
Variant type: single nucleotide variant.
Coding change: c.3257G>A on transcript NM_001035.3 (MANE Select); coding-DNA position 3257, G replaced by A.
Protein change: p.Arg1086Gln; replaces arginine 1086 with glutamine.
Molecular consequence: missense variant.
Genome position (GRCh38, 1-based): chr1:237,566,609, G>A. VCF-style: chr1-237566609-G-A. GRCh37 (hg19) VCF-style: chr1-237729909-G-A.
Other names: c.3257G>A (NM_001035.2); short protein forms R1086Q.
Identifiers: ClinVar variation 923065 (VCV000923065.10), dbSNP rs749566870, ClinGen allele CA345397997.